The following is an entry in ClinVar:

NM_003736.4(PCDHGB4):c.2397+42563A>G

Genes: PCDHG@ (protocadherin gamma cluster; plus strand), PCDHGA1 (protocadherin gamma subfamily A, 1; plus strand), PCDHGA10 (protocadherin gamma subfamily A, 10; plus strand), PCDHGA11 (protocadherin gamma subfamily A, 11; plus strand), PCDHGA12 (protocadherin gamma subfamily A, 12; plus strand) and 15 more. Cytogenetic location: 5q31.3.
Variant type: single nucleotide variant.
Coding change: c.2397+42563A>G on transcript NM_003736.4 (MANE Select); 42563 bases into the intron after coding-DNA position 2397, A replaced by G.
Molecular consequence: intron variant. On other transcripts: synonymous variant (2).
Genome position (GRCh38, 1-based): chr5:141,432,844, A>G. VCF-style: chr5-141432844-A-G. GRCh37 (hg19) VCF-style: chr5-140812411-A-G.
Other names: c.2085A>G, p.Val695= (NM_003735.3, NM_032094.2); c.2422-61963A>G (NM_018912.3, NM_018923.3, NM_018918.3); c.2425-61963A>G (NM_018915.4, NM_018916.4); c.2410-61963A>G (NM_018922.3); c.2515-61963A>G (NM_018917.4); c.2415+60035A>G (NM_018924.5); c.2424+56337A>G (NM_018919.3); c.2424+47521A>G (NM_018920.4); and 8 more.
Identifiers: ClinVar variation 2655865 (VCV002655865.24), dbSNP rs113107293, ClinGen allele CA3477101.

ClinVar aggregate classification (germline): Benign (1 of 4 stars; one submission).

Allele frequency attached by ClinVar (database versions not stated): 1000 Genomes Project 30x 0.00375; 1000 Genomes Project 0.00419; ExAC 0.00793; gnomAD 0.00806; ESP Exome Variant Server 0.00823; TOPMed 0.00827; gnomAD exomes 0.01068.
gnomAD v4.1: 16,860 of 1,614,178 alleles (1%); highest among the groups gnomAD compares: Non-Finnish European, 1.2%; 121 homozygotes.

Submission:

CeGaT Center for Human Genetics Tuebingen
Classification: Benign. Last evaluated: 2023-01-01. Review status: criteria provided, single submitter. Criteria: CeGaT Center For Human Genetics Tuebingen Variant Classification Criteria Version 2. Collection method: clinical testing. Allele origin: germline. Affected: yes. Observed: 1 variant allele.
Comment: PCDHGA1: BS1, BS2; PCDHGA10: BS1, BS2; PCDHGA11: BS1, BS2; PCDHGA2: BS1, BS2; PCDHGA3: BS1, BS2; PCDHGA4: BS1, BS2; PCDHGA5: BS1, BS2; PCDHGA6: BS1, BS2; PCDHGA7: BS1, BS2; PCDHGA8: BS1, BS2; PCDHGA9: BS1, BS2; PCDHGB1: BS1, BS2; PCDHGB2: BS1, BS2; PCDHGB3: BS1, BS2; PCDHGB4: BS1, BS2; PCDHGB6: BS1, BS2